The following is an entry in ClinVar:

NM_033131.4(WNT3A):c.982C>G (p.Arg328Gly)

Gene: WNT3A (Wnt family member 3A; plus strand). Cytogenetic location: 1q42.13.
Variant type: single nucleotide variant.
Coding change: c.982C>G on transcript NM_033131.4 (MANE Select); coding-DNA position 982, C replaced by G.
Protein change: p.Arg328Gly; replaces arginine 328 with glycine.
Molecular consequence: missense variant.
Genome position (GRCh38, 1-based): chr1:228,059,388, C>G. VCF-style: chr1-228059388-C-G. GRCh37 (hg19) VCF-style: chr1-228247089-C-G.
Other names: short protein forms R328G.
Identifiers: ClinVar variation 1943441 (VCV001943441.5), dbSNP rs781265731, ClinGen allele CA1429565.

ClinVar aggregate classification (germline): Uncertain significance (1 of 4 stars; one submission).

Allele frequency attached by ClinVar (database versions not stated): ExAC 0.00008.

Submission:

Labcorp Genetics (formerly Invitae), Labcorp
Classification: Uncertain significance. Last evaluated: 2022-10-01. Review status: criteria provided, single submitter. Criteria: Invitae Variant Classification Sherloc (09022015). Collection method: clinical testing. Allele origin: germline.
Comment: In summary, the available evidence is currently insufficient to determine the role of this variant in disease. Therefore, it has been classified as a Variant of Uncertain Significance. Advanced modeling of protein sequence and biophysical properties (such as structural, functional, and spatial information, amino acid conservation, physicochemical variation, residue mobility, and thermodynamic stability) performed at Invitae indicates that this missense variant is not expected to disrupt WNT3A protein function. This variant has not been reported in the literature in individuals affected with WNT3A-related conditions. This variant is present in population databases (rs781265731, gnomAD 0.003%). This sequence change replaces arginine, which is basic and polar, with glycine, which is neutral and non-polar, at codon 328 of the WNT3A protein (p.Arg328Gly).